The following is an entry in ClinVar:

ClinVar aggregate classification (germline): Benign. Review status: criteria provided, multiple submitters, no conflicts (2 of 4 stars). 2 submissions from 2 submitters: Benign (2). Last evaluated 2018-01-13.

Conditions:
Isolated focal non-epidermolytic palmoplantar keratoderma. Also called: Palmoplantar keratoderma, nonepidermolytic, focal 2. Identifiers: Orphanet 448264, MedGen C4225339, MONDO:0014622, OMIM 616400.

Allele frequency attached by ClinVar (database versions not stated): 1000 Genomes Project 30x 0.93816; gnomAD 0.94638 and 0.94264; TOPMed 0.93868; gnomAD exomes 1.00000; 1000 Genomes Project 0.94329.
gnomAD v4.1: 144,173 of 152,252 alleles (95%); highest among the groups gnomAD compares: East Asian, 100%; 68,746 homozygotes.

Submissions (2):

Illumina Laboratory Services, Illumina
Classification: Benign for Isolated focal non-epidermolytic palmoplantar keratoderma. Last evaluated: 2018-01-13. Review status: criteria provided, single submitter. Criteria: ICSL Variant Classification Criteria 13 December 2019. Collection method: clinical testing. Allele origin: germline.
Comment: This variant was observed in the ICSL laboratory as part of a predisposition screen in an ostensibly healthy population. It had not been previously curated by ICSL or reported in the Human Gene Mutation Database (HGMD: prior to June 1st, 2018), and was therefore a candidate for classification through an automated scoring system. Utilizing variant allele frequency, disease prevalence and penetrance estimates, and inheritance mode, an automated score was calculated to assess if this variant is too frequent to cause the disease. Based on the score and internal cut-off values, a variant classified as benign is not then subjected to further curation. The score for this variant resulted in a classification of benign for this disease.

Breakthrough Genomics
Classification: Benign. Review status: criteria provided, single submitter. Criteria: ACMG Guidelines, 2015. Collection method: not provided. Allele origin: germline. Inheritance: Autosomal dominant inheritance. Affected: yes.

NM_145068.4(TRPV3):c.*2437A>G

Genes: SPATA22 (spermatogenesis associated 22; minus strand), TRPV3 (transient receptor potential cation channel subfamily V member 3; minus strand). Cytogenetic location: 17p13.2.
Variant type: single nucleotide variant.
Coding change: c.*2437A>G on transcript NM_145068.4 (MANE Select); 2437 bases downstream of the stop codon, A replaced by G.
Molecular consequence: 3 prime UTR variant. On other transcripts: intron variant (2).
Genome position (GRCh38, 1-based): chr17:3,511,480, T>C on the plus strand (A>G on the coding strand, the complement: TRPV3 is on the minus strand). VCF-style: chr17-3511480-T-C. GRCh37 (hg19) VCF-style: chr17-3414774-T-C.
Other names: c.*2437A>G (NM_001258205.2); c.-74+1932A>G (NM_001321336.2, NM_001321337.2).
Identifiers: ClinVar variation 322692 (VCV000322692.8), dbSNP rs4790502, ClinGen allele CA10645340.